The following is an entry in ClinVar:

ClinVar aggregate classification (germline): Uncertain significance (1 of 4 stars; one submission).

Conditions:
NIK deficiency. Also called: Primary immunodeficiency with multifaceted aberrant lymphoid immunity. Identifiers: Orphanet 447731, MedGen C5680065, MONDO:0018642.

Submission:

Labcorp Genetics (formerly Invitae), Labcorp
Classification: Uncertain significance for NIK deficiency. Last evaluated: 2022-06-13. Review status: criteria provided, single submitter. Criteria: Invitae Variant Classification Sherloc (09022015). Collection method: clinical testing. Allele origin: germline.
Comment: This sequence change creates a premature translational stop signal (p.Glu720*) in the MAP3K14 gene. It is expected to result in an absent or disrupted protein product. However, the current clinical and genetic evidence is not sufficient to establish whether loss-of-function variants in MAP3K14 cause disease. In summary, the available evidence is currently insufficient to determine the role of this variant in disease. Therefore, it has been classified as a Variant of Uncertain Significance. This variant has not been reported in the literature in individuals affected with MAP3K14-related conditions. This variant is not present in population databases (gnomAD no frequency).

NM_003954.5(MAP3K14):c.2158G>T (p.Glu720Ter)

Genes: MAP3K14 (mitogen-activated protein kinase kinase kinase 14; minus strand), MAP3K14-AS1 (MAP3K14 antisense RNA 1; plus strand), LOC126862575 (CDK7 strongly-dependent group 2 enhancer GRCh37_chr17:43344006-43345205; plus strand). Cytogenetic location: 17q21.31.
Variant type: single nucleotide variant.
Coding change: c.2158G>T on transcript NM_003954.5 (MANE Select); coding-DNA position 2158, G replaced by T.
Protein change: p.Glu720Ter; replaces glutamic acid 720 with a stop codon.
Molecular consequence: nonsense.
Genome position (GRCh38, 1-based): chr17:45,267,574, C>A on the plus strand (G>T on the coding strand, the complement: MAP3K14 is on the minus strand). VCF-style: chr17-45267574-C-A. GRCh37 (hg19) VCF-style: chr17-43344941-C-A.
Other names: short protein forms E720*.
Identifiers: ClinVar variation 1480463 (VCV001480463.6), dbSNP rs2143771835, ClinGen allele CA399875515.
Genomic context (GRCh38, chr17:45,267,574, plus strand): 5'-ACATCCCAGACTCCTCCTTGCTCAAAGTCAAGGGAGGAGACTTGTTTGGCTCTGGGGGCT[C>A]TGGTGGGAGAGGAGGCTGGAGCTTAGGGGCTCTGCCTGTTGTCTCCTCAGCTGGCCGGGG-3'